The following is an entry in ClinVar:

ClinVar aggregate classification (germline): Benign (1 of 4 stars; one submission).

Allele frequency attached by ClinVar (database versions not stated): gnomAD 0.18865 and 0.19298; 1000 Genomes Project 0.20288; TOPMed 0.20318; 1000 Genomes Project 30x 0.20831.
gnomAD v4.1: 29,522 of 152,224 alleles (19%); highest among the groups gnomAD compares: Admixed American, 38%; 3,681 homozygotes.

Submission:

GeneDx
Classification: Benign. Last evaluated: 2018-06-14. Review status: criteria provided, single submitter. Criteria: GeneDx Variant Classification (06012015). Collection method: clinical testing. Allele origin: germline. Affected: yes.
Comment: This variant is considered likely benign or benign based on one or more of the following criteria: it is a conservative change, it occurs at a poorly conserved position in the protein, it is predicted to be benign by multiple in silico algorithms, and/or has population frequency not consistent with disease.

NM_001098.3(ACO2):c.940+209A>G

Gene: ACO2 (aconitase 2; plus strand). Cytogenetic location: 22q13.2.
Variant type: single nucleotide variant.
Coding change: c.940+209A>G on transcript NM_001098.3 (MANE Select); 209 bases into the intron after coding-DNA position 940, A replaced by G.
Molecular consequence: intron variant.
Genome position (GRCh38, 1-based): chr22:41,517,840, A>G. VCF-style: chr22-41517840-A-G. GRCh37 (hg19) VCF-style: chr22-41913844-A-G.
Identifiers: ClinVar variation 678096 (VCV000678096.1), dbSNP rs17367716, ClinGen allele CA14989717.